The following is an entry in ClinVar:

NM_000245.4(MET):c.569A>G (p.Asp190Gly)

Gene: MET (MET proto-oncogene, receptor tyrosine kinase; plus strand). Cytogenetic location: 7q31.2.
Variant type: single nucleotide variant.
Coding change: c.569A>G on transcript NM_000245.4 (MANE Select); coding-DNA position 569, A replaced by G.
Protein change: p.Asp190Gly; replaces aspartic acid 190 with glycine.
Molecular consequence: missense variant. On other transcripts: intron variant (1).
Genome position (GRCh38, 1-based): chr7:116,699,653, A>G. VCF-style: chr7-116699653-A-G. GRCh37 (hg19) VCF-style: chr7-116339707-A-G.
Other names: c.569A>G, p.Asp190Gly (NM_001127500.3, NM_001324401.3); c.-91+27076A>G (NM_001324402.2); c.569A>G (NM_001127500.2); short protein forms D190G.
Identifiers: ClinVar variation 584708 (VCV000584708.16), dbSNP rs1028165414, ClinGen allele CA164888564.
Genomic context (GRCh38, chr7:116,699,653, plus strand): 5'-GCCAGTGTCCTGACTGTGTGGTGAGCGCCCTGGGAGCCAAAGTCCTTTCATCTGTAAAGG[A>G]CCGGTTCATCAACTTCTTTGTAGGCAATACCATAAATTCTTCTTATTTCCCAGATCATCC-3'
Protein context (NP_000236.2, residues 180-200): LGAKVLSSVK[Asp190Gly]RFINFFVGNT

ClinVar aggregate classification (germline): Conflicting classifications of pathogenicity. Review status: criteria provided, conflicting classifications (1 of 4 stars). 5 submissions from 5 submitters: Uncertain significance (4); Likely benign (1). Last evaluated 2025-02-11.

Conditions:
Osteofibrous dysplasia (OSFD). Also called: Tibia, bowing of, with pseudarthrosis and pectus excavatum. Identifiers: Orphanet 488265, MedGen C4085248, MONDO:0011806, OMIM 607278.
Papillary renal cell carcinoma type 1 (RCCP1). Also called: Renal adenocarcinoma; Renal cell carcinoma 1; Renal cell carcinoma, somatic; RENAL CELL CARCINOMA, PAPILLARY, 1, SOMATIC. Identifiers: Orphanet 47044, MedGen C1336839, OMIM 605074, HP:0011797.
Autosomal recessive nonsyndromic hearing loss 97. Also called: Deafness, autosomal recessive 97. Identifiers: Orphanet 90636, MedGen C4084709, MONDO:0014739, OMIM 616705.
Hepatocellular carcinoma (HCC). Also called: HEPATOMA; LIVER CELL CARCINOMA; Primary carcinoma of liver. Identifiers: Orphanet 88673, MedGen C2239176, MONDO:0007256, OMIM 114550, HP:0001402.
Arthrogryposis, distal, IIa 11. Also called: Arthrogryposis, distal, type 11. Identifiers: MedGen C5774205, MONDO:0031045, OMIM 620019.
Renal cell carcinoma. Identifiers: Orphanet 217071, MedGen C0007134, MeSH D002292, MONDO:0005086, HP:0005584.
Hereditary cancer-predisposing syndrome. Also called: Neoplastic Syndromes, Hereditary; Hereditary Cancer Syndrome; Tumor predisposition; Hereditary neoplastic syndrome. Identifiers: Orphanet 140162, MedGen C0027672, MeSH D009386, MONDO:0015356.

Allele frequency attached by ClinVar (database versions not stated): TOPMed below 0.00001.

Submissions (5):

Quest Diagnostics Nichols Institute San Juan Capistrano
Classification: Uncertain significance. Last evaluated: 2025-02-11. Review status: criteria provided, single submitter. Criteria: Quest Diagnostics criteria. Collection method: clinical testing. Allele origin: unknown.

Fulgent Genetics
Classification: Uncertain significance for Hepatocellular carcinoma; Papillary renal cell carcinoma type 1; Osteofibrous dysplasia; Autosomal recessive nonsyndromic hearing loss 97; Arthrogryposis, distal, IIa 11. Last evaluated: 2024-06-14. Review status: criteria provided, single submitter. Criteria: ACMG Guidelines, 2015. Collection method: clinical testing. Allele origin: germline.

Ambry Genetics
Classification: Likely benign for Hereditary cancer-predisposing syndrome. Last evaluated: 2024-03-29. Review status: criteria provided, single submitter. Criteria: Ambry Variant Classification Scheme 2023. Collection method: clinical testing. Allele origin: germline.

Labcorp Genetics (formerly Invitae), Labcorp
Classification: Uncertain significance for Renal cell carcinoma. Last evaluated: 2023-05-16. Review status: criteria provided, single submitter. Criteria: Invitae Variant Classification Sherloc (09022015). Collection method: clinical testing. Allele origin: germline.
Comment: This variant is not present in population databases (gnomAD no frequency). This variant has not been reported in the literature in individuals affected with MET-related conditions. ClinVar contains an entry for this variant (Variation ID: 584708). Advanced modeling of protein sequence and biophysical properties (such as structural, functional, and spatial information, amino acid conservation, physicochemical variation, residue mobility, and thermodynamic stability) performed at Invitae indicates that this missense variant is not expected to disrupt MET protein function. In summary, the available evidence is currently insufficient to determine the role of this variant in disease. Therefore, it has been classified as a Variant of Uncertain Significance. This sequence change replaces aspartic acid, which is acidic and polar, with glycine, which is neutral and non-polar, at codon 190 of the MET protein (p.Asp190Gly).

Mendelics
Classification: Uncertain significance for Renal cell carcinoma, papillary, 1. Last evaluated: 2018-07-02. Review status: criteria provided, single submitter. Criteria: Mendelics Assertion Criteria 2017. Collection method: clinical testing. Allele origin: unknown.